The following is an entry in ClinVar:

NM_004104.5(FASN):c.2120C>T (p.Pro707Leu)

Gene: FASN (fatty acid synthase; minus strand). Cytogenetic location: 17q25.3.
Variant type: single nucleotide variant.
Coding change: c.2120C>T on transcript NM_004104.5 (MANE Select); coding-DNA position 2120, C replaced by T.
Protein change: p.Pro707Leu; replaces proline 707 with leucine.
Molecular consequence: missense variant.
Genome position (GRCh38, 1-based): chr17:82,089,153, G>A on the plus strand (C>T on the coding strand, the complement: FASN is on the minus strand). VCF-style: chr17-82089153-G-A. GRCh37 (hg19) VCF-style: chr17-80047029-G-A.
Other names: short protein forms P707L.
Identifiers: ClinVar variation 767229 (VCV000767229.13), dbSNP rs144627566, ClinGen allele CA8852890.

ClinVar aggregate classification (germline): Benign. Review status: criteria provided, single submitter (1 of 4 stars). 2 submissions from 2 submitters: Benign (1). 1 of the submissions does not count toward it. Last evaluated 2025-11-22.

Conditions:
FASN-related disorder. Also called: FASN-related condition.
Epileptic encephalopathy. Identifiers: MedGen C0543888, HP:0200134.

Allele frequency attached by ClinVar (database versions not stated): 1000 Genomes Project 0.00020; gnomAD 0.00036 and 0.00038; gnomAD exomes 0.00036 and 0.00061; 1000 Genomes Project 30x 0.00016; TOPMed 0.00014; ESP Exome Variant Server 0.00016; ExAC 0.00125.
gnomAD v4.1: 567 of 1,572,652 alleles (0.036%); highest among the groups gnomAD compares: South Asian, 0.24%; 1 homozygote.

Submissions (2):

Labcorp Genetics (formerly Invitae), Labcorp
Classification: Benign for Epileptic encephalopathy. Last evaluated: 2025-11-22. Review status: criteria provided, single submitter. Criteria: Invitae Variant Classification Sherloc (09022015). Collection method: clinical testing. Allele origin: germline.

PreventionGenetics, part of Exact Sciences
Classification: Likely benign for FASN-related condition. Last evaluated: 2022-02-24. Review status: no assertion criteria provided. Collection method: clinical testing. Allele origin: germline. Not counted in ClinVar's aggregate classification.
Comment: This variant is classified as likely benign based on ACMG/AMP sequence variant interpretation guidelines (Richards et al. 2015 PMID: 25741868, with internal and published modifications).